The following is an entry in ClinVar:

NM_000170.3(GLDC):c.2161G>A (p.Gly721Arg)

Gene: GLDC (glycine decarboxylase; minus strand). Cytogenetic location: 9p24.1.
Variant type: single nucleotide variant.
Coding change: c.2161G>A on transcript NM_000170.3 (MANE Select); coding-DNA position 2161, G replaced by A.
Protein change: p.Gly721Arg; replaces glycine 721 with arginine.
Molecular consequence: missense variant.
Genome position (GRCh38, 1-based): chr9:6,556,194, C>T on the plus strand (G>A on the coding strand, the complement: GLDC is on the minus strand). VCF-style: chr9-6556194-C-T. GRCh37 (hg19) VCF-style: chr9-6556194-C-T.
Other names: short protein forms G721R.
Identifiers: ClinVar variation 658175 (VCV000658175.6), dbSNP rs1587924821, ClinGen allele CA372881242.

ClinVar aggregate classification (germline): Uncertain significance (1 of 4 stars; one submission).

Conditions:
Glycine encephalopathy. Also called: Non-ketotic hyperglycinemia; Nonketotic hyperglycinemia. Identifiers: Orphanet 407, MedGen C0751748, MONDO:0011612, HP:0008288.

Submission:

Labcorp Genetics (formerly Invitae), Labcorp
Classification: Uncertain significance for Glycine encephalopathy. Last evaluated: 2021-09-01. Review status: criteria provided, single submitter. Criteria: Invitae Variant Classification Sherloc (09022015). Collection method: clinical testing. Allele origin: germline.
Comment: This sequence change replaces glycine with arginine at codon 721 of the GLDC protein (p.Gly721Arg). The glycine residue is highly conserved and there is a moderate physicochemical difference between glycine and arginine. This variant is not present in population databases (ExAC no frequency). This variant has not been reported in the literature in individuals affected with GLDC-related conditions. Algorithms developed to predict the effect of missense changes on protein structure and function are either unavailable or do not agree on the potential impact of this missense change (SIFT: "Deleterious"; PolyPhen-2: "Probably Damaging"; Align-GVGD: "Class C15"). Algorithms developed to predict the effect of sequence changes on RNA splicing suggest that this variant may create or strengthen a splice site. In summary, the available evidence is currently insufficient to determine the role of this variant in disease. Therefore, it has been classified as a Variant of Uncertain Significance.